The following is an entry in ClinVar:

ClinVar aggregate classification (germline): Uncertain significance. Review status: criteria provided, single submitter (1 of 4 stars). 2 submissions from 2 submitters: Uncertain significance (1). 1 of the submissions does not count toward it. Last evaluated 2022-06-13.

Conditions:
Spondylocostal dysostosis 2, autosomal recessive (SCDO2). Also called: MESP2-Related Spondylocostal Dysostosis, Autosomal Recessive; Spondylocostal dysostosis type 2. Identifiers: Orphanet 2311, MedGen C1837549, MONDO:0012097, OMIM 608681.

Submissions (2):

Labcorp Genetics (formerly Invitae), Labcorp
Classification: Uncertain significance. Last evaluated: 2022-06-13. Review status: criteria provided, single submitter. Criteria: Invitae Variant Classification Sherloc (09022015). Collection method: clinical testing. Allele origin: germline.
Comment: This sequence change results in a frameshift in the MESP2 gene (p.Val214Serfs*266). While this is not anticipated to result in nonsense mediated decay, it is expected to disrupt the last 184 amino acid(s) of the MESP2 protein and extend the protein by 81 additional amino acid residues. This variant is not present in population databases (gnomAD no frequency). This variant has not been reported in the literature in individuals affected with MESP2-related conditions. ClinVar contains an entry for this variant (Variation ID: 556240). Experimental studies and prediction algorithms are not available or were not evaluated, and the functional significance of this variant is currently unknown. In summary, the available evidence is currently insufficient to determine the role of this variant in disease. Therefore, it has been classified as a Variant of Uncertain Significance.

Counsyl
Classification: Uncertain significance for Spondylocostal dysostosis 2, autosomal recessive. Last evaluated: 2018-01-24. Review status: no assertion criteria provided. Collection method: clinical testing. Allele origin: unknown. Not counted in ClinVar's aggregate classification.

NM_001039958.2(MESP2):c.640_643del (p.Val214fs)

Gene: MESP2 (mesoderm posterior bHLH transcription factor 2; plus strand). Cytogenetic location: 15q26.1.
Variant type: Deletion.
Coding change: c.640_643del on transcript NM_001039958.2 (MANE Select); coding-DNA positions 640 to 643, 4 bases deleted (GTCC; older notation c.640_643delGTCC).
Protein change: p.Val214fs; shifts the reading frame from valine 214.
Molecular consequence: frameshift variant.
Genome position (GRCh38, 1-based): chr15:89,776,997-89,777,000, GTCC deleted; deleting any 4 consecutive bases within chr15:89,776,995-89,777,000 gives the same sequence; the c. name uses the placement nearest the transcript's 3' end. VCF-style (leftmost placement, unchanged base first): chr15-89776994-GCCGT-G. GRCh37 (hg19) VCF-style: chr15-90320225-GCCGT-G.
Other names: short protein forms V214fs.
Identifiers: ClinVar variation 556240 (VCV000556240.7), dbSNP rs1468383573, ClinGen allele CA658824149.